The following is an entry in ClinVar:

ClinVar aggregate classification (germline): Likely pathogenic (1 of 4 stars; one submission).

Conditions:
Cohen syndrome (COH1). Also called: Cutis verticis gyrata, retinitis pigmentosa, and sensorineural deafness; PEPPER SYNDROME. Identifiers: Orphanet 193, MedGen C0265223, MONDO:0008999, OMIM 216550.

Submission:

Labcorp Genetics (formerly Invitae), Labcorp
Classification: Likely pathogenic for Cohen syndrome. Last evaluated: 2023-11-13. Review status: criteria provided, single submitter. Criteria: Invitae Variant Classification Sherloc (09022015). Collection method: clinical testing. Allele origin: unknown.
Comment: This variant results in a copy number gain of the genomic region encompassing exon(s) 8-14 of the VPS13B gene. While the exact position of this variant cannot be determined from the data, sub-genic copy number gains are generally in tandem (PMID: 25640679). This variant is predicted to be out-of-frame, and may result in an absent or disrupted protein product. Loss-of-function variants in VPS13B are known to be pathogenic (PMID: 15141358, 16648375, 20461111). This variant has not been reported in the literature in individuals affected with VPS13B-related conditions. In summary, the currently available evidence indicates that the variant is pathogenic, but additional data are needed to prove that conclusively. Therefore, this variant has been classified as Likely Pathogenic.

Literature cited by the submitters: PubMed 25640679; PubMed 15141358; PubMed 16648375; PubMed 20461111.

NC_000008.10:g.(?_100133385)_(100160258_?)dup

Gene: VPS13B (vacuolar protein sorting 13 homolog B; plus strand). Cytogenetic location: 8q22.2.
Variant type: Duplication.
Identifiers: ClinVar variation 3245476 (VCV003245476.1).